The following is an entry in ClinVar:

NM_001184785.2(PARD3):c.2658G>A (p.Ser886=)

Gene: PARD3 (par-3 family cell polarity regulator; minus strand). Cytogenetic location: 10p11.21.
Variant type: single nucleotide variant.
Coding change: c.2658G>A on transcript NM_001184785.2 (MANE Select); coding-DNA position 2658, G replaced by A.
Protein change: p.Ser886=; no amino-acid change (serine 886 retained).
Molecular consequence: synonymous variant.
Genome position (GRCh38, 1-based): chr10:34,331,292, C>T on the plus strand (G>A on the coding strand, the complement: PARD3 is on the minus strand). VCF-style: chr10-34331292-C-T. GRCh37 (hg19) VCF-style: chr10-34620220-C-T.
Other names: c.2619G>A, p.Ser873= (NM_001184786.2); c.2667G>A, p.Ser889= (NM_001184787.2, NM_019619.4); c.2529G>A, p.Ser843= (NM_001184788.2, NM_001184789.2, NM_001184794.2); c.2397G>A, p.Ser799= (NM_001184790.2); c.2442G>A, p.Ser814= (NM_001184791.2); c.2658G>A, p.Ser886= (NM_001184792.2); c.2565G>A, p.Ser855= (NM_001184793.2).
Identifiers: ClinVar variation 3060980 (VCV003060980.2), dbSNP rs3781128, ClinGen allele CA5467543.
Genomic context (GRCh38, chr10:34,331,292, plus strand): 5'-ATGGAAAGGAATATCCCCATTCAAAGTCACCTCGGCAACTGCGGTCTGCAGACTCTCCAA[C>T]GAGCTTGACTTCTTCAGACCCAGGGAAGGACCCACATCTCTGCTGGGAGAACCTGGGAGG-3'
Protein context (NP_001171714.1, residues 876-896): GPSLGLKKSS[Ser886=]LESLQTAVAE

ClinVar aggregate classification (germline): Benign (0 of 4 stars; one submission).

Conditions:
PARD3-related disorder. Also called: PARD3-related condition.

Allele frequency attached by ClinVar (database versions not stated): gnomAD exomes 0.47707; ExAC 0.49622; gnomAD 0.53869; TOPMed 0.54794; ESP Exome Variant Server 0.54867; 1000 Genomes Project 0.54972; 1000 Genomes Project 30x 0.55653.
gnomAD v4.1: 779,576 of 1,612,910 alleles (48%); highest among the groups gnomAD compares: African/African-American, 71%; 191,218 homozygotes.

Submission:

PreventionGenetics, part of Exact Sciences
Classification: Benign for PARD3-related condition. Last evaluated: 2019-10-17. Review status: no assertion criteria provided. Collection method: clinical testing. Allele origin: germline.
Comment: This variant is classified as benign based on ACMG/AMP sequence variant interpretation guidelines (Richards et al. 2015 PMID: 25741868, with internal and published modifications).